The following is an entry in ClinVar:

ClinVar aggregate classification (germline): Conflicting classifications of pathogenicity. Review status: criteria provided, conflicting classifications (1 of 4 stars). 3 submissions from 3 submitters: Uncertain significance (1); Benign (1). 1 of the submissions does not count toward it. Last evaluated 2025-12-22.

Conditions:
PLVAP-related disorder. Also called: PLVAP-related condition.
Inborn genetic diseases. Identifiers: MedGen C0950123, MeSH D030342.

Allele frequency attached by ClinVar (database versions not stated): gnomAD exomes 0.00020; ExAC 0.00058; 1000 Genomes Project 0.00200; ESP Exome Variant Server 0.00200; 1000 Genomes Project 30x 0.00203; gnomAD 0.00208; TOPMed 0.00215.
gnomAD v4.1: 640 of 1,614,054 alleles (0.04%); highest among the groups gnomAD compares: African/African-American, 0.74%; 3 homozygotes.

Submissions (3):

Labcorp Genetics (formerly Invitae), Labcorp
Classification: Benign. Last evaluated: 2025-12-22. Review status: criteria provided, single submitter. Criteria: Invitae Variant Classification Sherloc (09022015). Collection method: clinical testing. Allele origin: germline.

Ambry Genetics
Classification: Uncertain significance for Inborn genetic diseases. Last evaluated: 2025-08-04. Review status: criteria provided, single submitter. Criteria: Ambry Variant Classification Scheme 2023. Collection method: clinical testing. Allele origin: germline.

PreventionGenetics, part of Exact Sciences
Classification: Likely benign for PLVAP-related condition. Last evaluated: 2019-10-28. Review status: no assertion criteria provided. Collection method: clinical testing. Allele origin: germline. Not counted in ClinVar's aggregate classification.
Comment: This variant is classified as likely benign based on ACMG/AMP sequence variant interpretation guidelines (Richards et al. 2015 PMID: 25741868, with internal and published modifications).

NM_031310.3(PLVAP):c.1313C>T (p.Ala438Val)

Gene: PLVAP (plasmalemma vesicle associated protein; minus strand). Cytogenetic location: 19p13.11.
Variant type: single nucleotide variant.
Coding change: c.1313C>T on transcript NM_031310.3 (MANE Select); coding-DNA position 1313, C replaced by T.
Protein change: p.Ala438Val; replaces alanine 438 with valine.
Molecular consequence: missense variant.
Genome position (GRCh38, 1-based): chr19:17,360,537, G>A on the plus strand (C>T on the coding strand, the complement: PLVAP is on the minus strand). VCF-style: chr19-17360537-G-A. GRCh37 (hg19) VCF-style: chr19-17471346-G-A.
Other names: c.1313C>T (NM_031310.1, NM_031310.2); short protein forms A438V.
Identifiers: ClinVar variation 2050866 (VCV002050866.7), dbSNP rs36074897, ClinGen allele CA9293805.